The following is an entry in ClinVar:

ClinVar aggregate classification (germline): Likely benign. Review status: criteria provided, multiple submitters, no conflicts (2 of 4 stars). 3 submissions from 3 submitters: Likely benign (3). Last evaluated 2025-10-29.

Conditions:
Hereditary cancer-predisposing syndrome. Also called: Hereditary Cancer Syndrome; Neoplastic Syndromes, Hereditary; Tumor predisposition; Hereditary neoplastic syndrome. Identifiers: Orphanet 140162, MedGen C0027672, MeSH D009386, MONDO:0015356.
Peutz-Jeghers syndrome (PJS). Also called: Peutz-Jeghers polyposis; Periorificial lentiginosis syndrome; POLYPOSIS, HAMARTOMATOUS INTESTINAL; POLYPS-AND-SPOTS SYNDROME. Identifiers: Orphanet 2869, MedGen C0031269, MeSH D010580, MONDO:0008280, OMIM 175200.

Allele frequency attached by ClinVar (database versions not stated): gnomAD exomes below 0.00001 and 0.00001; ExAC 0.00002.
gnomAD v4.1: 1 of 1,575,502 alleles (0.000063%); highest among the groups gnomAD compares: Non-Finnish European, 0.000086%; no homozygotes.

Submissions (3):

Labcorp Genetics (formerly Invitae), Labcorp
Classification: Likely benign for Peutz-Jeghers syndrome. Last evaluated: 2025-10-29. Review status: criteria provided, single submitter. Criteria: Invitae Variant Classification Sherloc (09022015). Collection method: clinical testing. Allele origin: germline.

Myriad Genetics, Inc.
Classification: Likely benign for Peutz-Jeghers syndrome. Last evaluated: 2025-03-26. Review status: criteria provided, single submitter. Criteria: Myriad Autosomal Dominant, Autosomal Recessive and X-Linked Classification Criteria (2023). Collection method: clinical testing. Allele origin: unknown.
Comment: This variant is considered likely benign. This variant is intronic and is not expected to impact mRNA splicing.

Color Diagnostics, LLC DBA Color Health
Classification: Likely benign for Hereditary cancer-predisposing syndrome. Last evaluated: 2018-09-24. Review status: criteria provided, single submitter. Criteria: ACMG Guidelines, 2015. Collection method: clinical testing. Allele origin: germline.

NM_000455.5(STK11):c.598-20G>A

Gene: STK11 (serine/threonine kinase 11; plus strand). Cytogenetic location: 19p13.3.
Variant type: single nucleotide variant.
Coding change: c.598-20G>A on transcript NM_000455.5 (MANE Select); 20 bases into the intron before coding-DNA position 598, G replaced by A.
Molecular consequence: intron variant.
Genome position (GRCh38, 1-based): chr19:1,220,561, G>A. VCF-style: chr19-1220561-G-A. GRCh37 (hg19) VCF-style: chr19-1220560-G-A.
Identifiers: ClinVar variation 630398 (VCV000630398.11), dbSNP rs747563720, ClinGen allele CA048254.